The following is an entry in ClinVar:

NM_001278716.2(FBXL4):c.379G>A (p.Val127Met)

Gene: FBXL4 (F-box and leucine rich repeat protein 4; minus strand). Cytogenetic location: 6q16.2.
Variant type: single nucleotide variant.
Coding change: c.379G>A on transcript NM_001278716.2 (MANE Select); coding-DNA position 379, G replaced by A.
Protein change: p.Val127Met; replaces valine 127 with methionine.
Molecular consequence: missense variant. On other transcripts: non-coding transcript variant (2).
Genome position (GRCh38, 1-based): chr6:98,926,610, C>T on the plus strand (G>A on the coding strand, the complement: FBXL4 is on the minus strand). VCF-style: chr6-98926610-C-T. GRCh37 (hg19) VCF-style: chr6-99374486-C-T.
Other names: c.379G>A (NM_012160.3); c.379G>A, p.Val127Met (NM_012160.5); short protein forms V127M.
Identifiers: ClinVar variation 2086028 (VCV002086028.5), dbSNP rs1337426271, ClinGen allele CA16021223.
Genomic context (GRCh38, chr6:98,926,610, plus strand): 5'-GATAGGTTTCTAGAACATGTACAGCTGTAGGATACACCTGTTGTTCAAAAGTAAGTTCCA[C>T]ATAGTCCTGGCTCTGAAAATTAGGTGGCGTCCTCTTGAATGGCAAGGAAGCACTAGGACA-3'
Protein context (NP_001265645.1, residues 117-137): TPPNFQSQDY[Val127Met]ELTFEQQVYP

ClinVar aggregate classification (germline): Uncertain significance. Review status: criteria provided, multiple submitters, no conflicts (2 of 4 stars). 2 submissions from 2 submitters: Uncertain significance (2). Last evaluated 2024-09-01.

Conditions:
Inborn genetic diseases. Identifiers: MedGen C0950123, MeSH D030342.

Allele frequency attached by ClinVar (database versions not stated): gnomAD exomes below 0.00001; TOPMed below 0.00001; gnomAD 0.00001.
gnomAD v4.1: 3 of 1,614,056 alleles (0.00019%); highest among the groups gnomAD compares: East Asian, 0.0067%; no homozygotes.

Submissions (2):

Ambry Genetics
Classification: Uncertain significance for Inborn genetic diseases. Last evaluated: 2024-09-01. Review status: criteria provided, single submitter. Criteria: Ambry Variant Classification Scheme 2023. Collection method: clinical testing. Allele origin: germline.

Labcorp Genetics (formerly Invitae), Labcorp
Classification: Uncertain significance. Last evaluated: 2022-08-09. Review status: criteria provided, single submitter. Criteria: Invitae Variant Classification Sherloc (09022015). Collection method: clinical testing. Allele origin: germline.
Comment: In summary, the available evidence is currently insufficient to determine the role of this variant in disease. Therefore, it has been classified as a Variant of Uncertain Significance. Advanced modeling of protein sequence and biophysical properties (such as structural, functional, and spatial information, amino acid conservation, physicochemical variation, residue mobility, and thermodynamic stability) performed at Invitae indicates that this missense variant is expected to disrupt FBXL4 protein function. This variant has not been reported in the literature in individuals affected with FBXL4-related conditions. This variant is present in population databases (no rsID available, gnomAD 0.01%). This sequence change replaces valine, which is neutral and non-polar, with methionine, which is neutral and non-polar, at codon 127 of the FBXL4 protein (p.Val127Met).